The following is an entry in ClinVar:

ClinVar aggregate classification (germline): Uncertain significance. Review status: criteria provided, multiple submitters, no conflicts (2 of 4 stars). 3 submissions from 3 submitters: Uncertain significance (3). Last evaluated 2023-07-01.

Conditions:
Inborn genetic diseases. Identifiers: MedGen C0950123, MeSH D030342.
Intellectual developmental disorder, X-linked, syndromic, Pilorge type. Identifiers: MedGen C5676881, MONDO:0024772, OMIM 301076.

Allele frequency attached by ClinVar (database versions not stated): gnomAD 0.00001; TOPMed 0.00006.
gnomAD v4.1: 23 of 1,204,751 alleles (0.0019%); highest among the groups gnomAD compares: Non-Finnish European, 0.0026%; no homozygotes.

Submissions (3):

CeGaT Center for Human Genetics Tuebingen
Classification: Uncertain significance. Last evaluated: 2023-07-01. Review status: criteria provided, single submitter. Criteria: CeGaT Center For Human Genetics Tuebingen Variant Classification Criteria Version 2. Collection method: clinical testing. Allele origin: germline. Affected: yes. Observed: 2 variant alleles.
Comment: GLRA2: PM2, PP2, PP3

3billion
Classification: Uncertain significance for Intellectual developmental disorder, X-linked, syndromic, Pilorge type. Last evaluated: 2022-09-01. Review status: criteria provided, single submitter. Criteria: ACMG Guidelines, 2015. Collection method: clinical testing. Allele origin: germline. Affected: yes. Observed: 1 hemizygote.
Comment: The variant is observed at an extremely low frequency in the gnomAD v2.1.1 dataset (total allele frequency: 0.002%). Missense changes are a common disease-causing mechanism. In silico tool predictions suggest damaging effect of the variant on gene or gene product (REVEL: 0.69; 3Cnet: 0.70). Therefore, this variant is classified as uncertain significance according to the recommendation of ACMG/AMP guideline.

Ambry Genetics
Classification: Uncertain significance for Inborn genetic diseases. Last evaluated: 2021-08-10. Review status: criteria provided, single submitter. Criteria: Ambry Variant Classification Scheme 2023. Collection method: clinical testing. Allele origin: germline.

NM_002063.4(GLRA2):c.1048C>T (p.Arg350Cys)

Genes: FANCB (FA complementation group B; minus strand), GLRA2 (glycine receptor alpha 2; plus strand). Cytogenetic location: Xp22.2.
Variant type: single nucleotide variant.
Coding change: c.1048C>T on transcript NM_002063.4 (MANE Select); coding-DNA position 1048, C replaced by T.
Protein change: p.Arg350Cys; replaces arginine 350 with cysteine.
Molecular consequence: missense variant.
Genome position (GRCh38, 1-based): chrX:14,690,827, C>T. VCF-style: chrX-14690827-C-T. GRCh37 (hg19) VCF-style: chrX-14708949-C-T.
Other names: c.1048C>T, p.Arg350Cys (NM_001118885.2, NM_001118886.2); c.781C>T, p.Arg261Cys (NM_001171942.2); c.1048C>T (NM_002063.3); short protein forms R261C, R350C.
Identifiers: ClinVar variation 1705404 (VCV001705404.29), dbSNP rs905209295, ClinGen allele CA327000973.